The following is an entry in ClinVar:

ClinVar aggregate classification (germline): Uncertain significance (1 of 4 stars; one submission).

gnomAD v4.1: 1 of 1,477,090 alleles (0.000068%); highest among the groups gnomAD compares: South Asian, 0.0014%; no homozygotes.

Submission:

Labcorp Genetics (formerly Invitae), Labcorp
Classification: Uncertain significance. Last evaluated: 2025-09-14. Review status: criteria provided, single submitter. Criteria: Invitae Variant Classification Sherloc (09022015). Collection method: clinical testing. Allele origin: germline.
Comment: This sequence change replaces leucine, which is neutral and non-polar, with valine, which is neutral and non-polar, at codon 335 of the CDK13 protein (p.Leu335Val). This variant is not present in population databases (gnomAD no frequency). This variant has not been reported in the literature in individuals affected with CDK13-related conditions. Invitae Evidence Modeling of protein sequence and biophysical properties (such as structural, functional, and spatial information, amino acid conservation, physicochemical variation, residue mobility, and thermodynamic stability) indicates that this missense variant is not expected to disrupt CDK13 protein function with a negative predictive value of 95%. In summary, the available evidence is currently insufficient to determine the role of this variant in disease. Therefore, it has been classified as a Variant of Uncertain Significance.

NM_003718.5(CDK13):c.1003C>G (p.Leu335Val)

Gene: CDK13 (cyclin dependent kinase 13; plus strand). Cytogenetic location: 7p14.1.
Variant type: single nucleotide variant.
Coding change: c.1003C>G on transcript NM_003718.5 (MANE Select); coding-DNA position 1003, C replaced by G.
Protein change: p.Leu335Val; replaces leucine 335 with valine.
Molecular consequence: missense variant.
Genome position (GRCh38, 1-based): chr7:39,951,644, C>G. VCF-style: chr7-39951644-C-G. GRCh37 (hg19) VCF-style: chr7-39991243-C-G.
Other names: c.1003C>G, p.Leu335Val (NM_031267.4); short protein forms L335V.
Identifiers: ClinVar variation 4745702 (VCV004745702.1).